The following is an entry in ClinVar:

ClinVar aggregate classification (germline): Uncertain significance. Review status: criteria provided, multiple submitters, no conflicts (2 of 4 stars). 2 submissions from 2 submitters: Uncertain significance (2). Last evaluated 2025-04-12.

Allele frequency attached by ClinVar (database versions not stated): TOPMed below 0.00001.

Submissions (2):

Ambry Genetics
Classification: Uncertain significance. Last evaluated: 2025-04-12. Review status: criteria provided, single submitter. Criteria: Ambry Variant Classification Scheme 2023. Collection method: clinical testing. Allele origin: germline.
Comment: The p.M426V variant (also known as c.1276A>G), located in coding exon 12 of the GEN1 gene, results from an A to G substitution at nucleotide position 1276. The methionine at codon 426 is replaced by valine, an amino acid with highly similar properties. This amino acid position is conserved. In addition, this alteration is predicted to be tolerated by in silico analysis. Based on the available evidence, the clinical significance of this variant remains unclear.

Labcorp Genetics (formerly Invitae), Labcorp
Classification: Uncertain significance. Last evaluated: 2023-11-13. Review status: criteria provided, single submitter. Criteria: Invitae Variant Classification Sherloc (09022015). Collection method: clinical testing. Allele origin: germline.
Comment: This sequence change replaces methionine, which is neutral and non-polar, with valine, which is neutral and non-polar, at codon 426 of the GEN1 protein (p.Met426Val). This variant is present in population databases (no rsID available, gnomAD 0.0009%). This variant has not been reported in the literature in individuals affected with GEN1-related conditions. Algorithms developed to predict the effect of missense changes on protein structure and function output the following: SIFT: "Not Available"; PolyPhen-2: "Benign"; Align-GVGD: "Not Available". The valine amino acid residue is found in multiple mammalian species, which suggests that this missense change does not adversely affect protein function. In summary, the available evidence is currently insufficient to determine the role of this variant in disease. Therefore, it has been classified as a Variant of Uncertain Significance.

NM_001130009.3(GEN1):c.1276A>G (p.Met426Val)

Gene: GEN1 (GEN1 structure-specific endonuclease; plus strand). Cytogenetic location: 2p24.2.
Variant type: single nucleotide variant.
Coding change: c.1276A>G on transcript NM_001130009.3 (MANE Select); coding-DNA position 1276, A replaced by G.
Protein change: p.Met426Val; replaces methionine 426 with valine.
Molecular consequence: missense variant.
Genome position (GRCh38, 1-based): chr2:17,779,989, A>G. VCF-style: chr2-17779989-A-G. GRCh37 (hg19) VCF-style: chr2-17961256-A-G.
Other names: c.1276A>G (NM_001130009.1); c.1276A>G, p.Met426Val (NM_182625.5); short protein forms M426V.
Identifiers: ClinVar variation 2907240 (VCV002907240.4), dbSNP rs1461327044, ClinGen allele CA345923603.